The following is an entry in ClinVar:

NM_005276.4(GPD1):c.1026G>A (p.Leu342=)

Gene: GPD1 (glycerol-3-phosphate dehydrogenase 1; plus strand). Cytogenetic location: 12q13.12.
Variant type: single nucleotide variant.
Coding change: c.1026G>A on transcript NM_005276.4 (MANE Select); coding-DNA position 1026, G replaced by A.
Protein change: p.Leu342=; no amino-acid change (leucine 342 retained).
Molecular consequence: synonymous variant.
Genome position (GRCh38, 1-based): chr12:50,109,495, G>A. VCF-style: chr12-50109495-G-A. GRCh37 (hg19) VCF-style: chr12-50503278-G-A.
Other names: p.Leu342=; c.957G>A, p.Leu319= (NM_001257199.2).
Identifiers: ClinVar variation 697641 (VCV000697641.15), dbSNP rs34013306, ClinGen allele CA6561839.

ClinVar aggregate classification (germline): Benign/Likely benign. Review status: criteria provided, multiple submitters, no conflicts (2 of 4 stars). 5 submissions from 5 submitters: Benign (2); Likely benign (2). 1 of the submissions does not count toward it. Last evaluated 2026-01-14.

Conditions:
GPD1-related disorder. Also called: GPD1-related condition.

Allele frequency attached by ClinVar (database versions not stated): gnomAD exomes 0.00069 and 0.00201; ExAC 0.00253; 1000 Genomes Project 30x 0.00625; 1000 Genomes Project 0.00639; gnomAD 0.00759 and 0.00818; TOPMed 0.00833; ESP Exome Variant Server 0.00884.
gnomAD v4.1: 2,163 of 1,568,160 alleles (0.14%); highest among the groups gnomAD compares: African/African-American, 2.6%; 27 homozygotes.

Submissions (5):

Labcorp Genetics (formerly Invitae), Labcorp
Classification: Benign. Last evaluated: 2026-01-14. Review status: criteria provided, single submitter. Criteria: Invitae Variant Classification Sherloc (09022015). Collection method: clinical testing. Allele origin: germline.

Mayo Clinic Laboratories, Mayo Clinic
Classification: Benign. Last evaluated: 2023-07-31. Review status: criteria provided, single submitter. Criteria: ACMG Guidelines, 2015. Collection method: clinical testing. Allele origin: germline. Observed: 2 variant alleles.
Comment: BS1, BS2, BP4, BP7

GeneDx
Classification: Likely benign. Last evaluated: 2020-11-17. Review status: criteria provided, single submitter. Criteria: GeneDx Variant Classification Process June 2021. Collection method: clinical testing. Allele origin: germline. Affected: yes.

Breakthrough Genomics
Classification: Likely benign. Review status: criteria provided, single submitter. Criteria: ACMG Guidelines, 2015. Collection method: not provided. Allele origin: germline. Inheritance: Autosomal recessive inheritance. Affected: yes.

PreventionGenetics, part of Exact Sciences
Classification: Benign for GPD1-related condition. Last evaluated: 2019-08-28. Review status: no assertion criteria provided. Collection method: clinical testing. Allele origin: germline. Not counted in ClinVar's aggregate classification.
Comment: This variant is classified as benign based on ACMG/AMP sequence variant interpretation guidelines (Richards et al. 2015 PMID: 25741868, with internal and published modifications).